The following is an entry in ClinVar:

NM_002080.4(GOT2):c.569A>T (p.Asp190Val)

Genes: GOT2 (glutamic-oxaloacetic transaminase 2; minus strand), LOC126862363 (BRD4-independent group 4 enhancer GRCh37_chr16:58751959-58753158; plus strand). Cytogenetic location: 16q21.
Variant type: single nucleotide variant.
Coding change: c.569A>T on transcript NM_002080.4 (MANE Select); coding-DNA position 569, A replaced by T.
Protein change: p.Asp190Val; replaces aspartic acid 190 with valine.
Molecular consequence: missense variant.
Genome position (GRCh38, 1-based): chr16:58,718,555, T>A on the plus strand (A>T on the coding strand, the complement: GOT2 is on the minus strand). VCF-style: chr16-58718555-T-A. GRCh37 (hg19) VCF-style: chr16-58752459-T-A.
Other names: c.440A>T, p.Asp147Val (NM_001286220.2); c.569A>T (NM_002080.2); short protein forms D147V, D190V.
Identifiers: ClinVar variation 2570660 (VCV002570660.3), dbSNP rs371532368, ClinGen allele CA8091017.

ClinVar aggregate classification (germline): Uncertain significance. Review status: criteria provided, multiple submitters, no conflicts (2 of 4 stars). 3 submissions from 3 submitters: Uncertain significance (3). Last evaluated 2025-09-11.

Conditions:
Developmental and epileptic encephalopathy, 82. Also called: EPILEPTIC ENCEPHALOPATHY, EARLY INFANTILE, 82; GLUTAMATE OXALOACETATE TRANSAMINASE, MITOCHONDRIAL, DEFICIENCY OF; GOT2 DEFICIENCY. Identifiers: MedGen C5231473, MONDO:0032880, OMIM 618721.

Allele frequency attached by ClinVar (database versions not stated): gnomAD exomes below 0.00001; gnomAD 0.00001; TOPMed 0.00001; ExAC 0.00003; ESP Exome Variant Server 0.00008.
gnomAD v4.1: 8 of 1,592,952 alleles (0.0005%); highest among the groups gnomAD compares: African/African-American, 0.0014%; no homozygotes.

Submissions (3):

Ambry Genetics
Classification: Uncertain significance. Last evaluated: 2025-09-11. Review status: criteria provided, single submitter. Criteria: Ambry Variant Classification Scheme 2023. Collection method: clinical testing. Allele origin: germline.

Labcorp Genetics (formerly Invitae), Labcorp
Classification: Uncertain significance. Last evaluated: 2025-08-22. Review status: criteria provided, single submitter. Criteria: Invitae Variant Classification Sherloc (09022015). Collection method: clinical testing. Allele origin: germline.
Comment: This sequence change replaces aspartic acid, which is acidic and polar, with valine, which is neutral and non-polar, at codon 190 of the GOT2 protein (p.Asp190Val). This variant is present in population databases (rs371532368, gnomAD 0.007%). This variant has not been reported in the literature in individuals affected with GOT2-related conditions. ClinVar contains an entry for this variant (Variation ID: 2570660). Invitae Evidence Modeling of protein sequence and biophysical properties (such as structural, functional, and spatial information, amino acid conservation, physicochemical variation, residue mobility, and thermodynamic stability) indicates that this missense variant is expected to disrupt GOT2 protein function with a positive predictive value of 80%. In summary, the available evidence is currently insufficient to determine the role of this variant in disease. Therefore, it has been classified as a Variant of Uncertain Significance.

HudsonAlpha Institute for Biotechnology
Classification: Uncertain significance for Developmental and epileptic encephalopathy, 82. Last evaluated: 2023-05-03. Review status: criteria provided, single submitter. Criteria: ACMG Guidelines, 2015. Collection method: research. Allele origin: maternal. Observed: 2 variant alleles. Study: CSER-HudsonAlpha.